The following is an entry in ClinVar:

NM_000455.5(STK11):c.1269G>T (p.Lys423Asn)

Gene: STK11 (serine/threonine kinase 11; plus strand). Cytogenetic location: 19p13.3.
Variant type: single nucleotide variant.
Coding change: c.1269G>T on transcript NM_000455.5 (MANE Select); coding-DNA position 1269, G replaced by T.
Protein change: p.Lys423Asn; replaces lysine 423 with asparagine.
Molecular consequence: missense variant. On other transcripts: non-coding transcript variant (1).
Genome position (GRCh38, 1-based): chr19:1,226,614, G>T. VCF-style: chr19-1226614-G-T. GRCh37 (hg19) VCF-style: chr19-1226613-G-T.
Other names: short protein forms K423N.
Identifiers: ClinVar variation 4756788 (VCV004756788.1).

ClinVar aggregate classification (germline): Uncertain significance (1 of 4 stars; one submission).

Conditions:
Hereditary cancer-predisposing syndrome. Also called: Tumor predisposition; Hereditary Cancer Syndrome; Neoplastic Syndromes, Hereditary; Hereditary neoplastic syndrome. Identifiers: Orphanet 140162, MedGen C0027672, MeSH D009386, MONDO:0015356.

Submission:

Color Diagnostics, LLC DBA Color Health
Classification: Uncertain significance for Hereditary cancer-predisposing syndrome. Last evaluated: 2025-05-20. Review status: criteria provided, single submitter. Criteria: ACMG Guidelines, 2015. Collection method: clinical testing. Allele origin: germline.
Comment: This missense variant replaces lysine with asparagine at codon 423 of the STK11 protein. Computational prediction suggests that this variant may not impact protein structure and function. To our knowledge, functional studies have not been reported for this variant. This variant has not been reported in individuals affected with STK11-related disorders in the literature. This variant has not been identified in the general population by the Genome Aggregation Database (gnomAD). The available evidence is insufficient to determine the role of this variant in disease conclusively. Therefore, this variant is classified as a Variant of Uncertain Significance.